The following is an entry in ClinVar:

ClinVar aggregate classification (germline): Uncertain significance. Review status: criteria provided, multiple submitters, no conflicts (2 of 4 stars). 2 submissions from 2 submitters: Uncertain significance (2). Last evaluated 2025-10-07.

Conditions:
Noonan syndrome 2 (NS2). Identifiers: Orphanet 648, MedGen C1854469, MONDO:0011531, OMIM 605275.

Submissions (2):

Labcorp Genetics (formerly Invitae), Labcorp
Classification: Uncertain significance. Last evaluated: 2025-10-07. Review status: criteria provided, single submitter. Criteria: Invitae Variant Classification Sherloc (09022015). Collection method: clinical testing. Allele origin: germline.
Comment: This sequence change replaces proline, which is neutral and non-polar, with leucine, which is neutral and non-polar, at codon 701 of the LZTR1 protein (p.Pro701Leu). This variant is not present in population databases (gnomAD no frequency). This variant has not been reported in the literature in individuals affected with LZTR1-related conditions. ClinVar contains an entry for this variant (Variation ID: 2627669). Invitae Evidence Modeling of protein sequence and biophysical properties (such as structural, functional, and spatial information, amino acid conservation, physicochemical variation, residue mobility, and thermodynamic stability) indicates that this missense variant is not expected to disrupt LZTR1 protein function with a negative predictive value of 80%. This variant disrupts the p.Pro701 amino acid residue in LZTR1. Other variant(s) that disrupt this residue have been observed in individuals with LZTR1-related conditions (PMID: 30368668; internal data), which suggests that this may be a clinically significant amino acid residue. In summary, the available evidence is currently insufficient to determine the role of this variant in disease. Therefore, it has been classified as a Variant of Uncertain Significance.

Neuberg Centre For Genomic Medicine, NCGM
Classification: Uncertain significance for Noonan syndrome 2. Review status: criteria provided, single submitter. Criteria: ACMG Guidelines, 2015. Collection method: clinical testing. Allele origin: germline. Inheritance: Autosomal recessive inheritance. Affected: yes.
Comment: The missense variant p.P701L in LZTR1 (NM_006767.4) has not been reported previously as a pathogenic variant nor as a benign variant, to our knowledge. The p.P701L variant is novel (not in any individuals) in gnomAD Exomes and is novel (not in any individuals) in 1000 Genomes. There is a moderate physicochemical difference between proline and leucine. The p.P701L missense variant is predicted to be damaging by both SIFT and PolyPhen2. The proline residue at codon 701 of LZTR1 is conserved in all mammalian species. The nucleotide c.2102 in LZTR1 is predicted conserved by GERP++ and PhyloP across 100 vertebrates. For these reasons, this variant has been classified as Uncertain Significance.

Literature cited by the submitters: PubMed 30368668 (cited by Labcorp Genetics (formerly Invitae), Labcorp).

NM_006767.4(LZTR1):c.2102C>T (p.Pro701Leu)

Gene: LZTR1 (leucine zipper like post translational regulator 1; plus strand). Cytogenetic location: 22q11.21.
Variant type: single nucleotide variant.
Coding change: c.2102C>T on transcript NM_006767.4 (MANE Select); coding-DNA position 2102, C replaced by T.
Protein change: p.Pro701Leu; replaces proline 701 with leucine.
Molecular consequence: missense variant.
Genome position (GRCh38, 1-based): chr22:20,995,995, C>T. VCF-style: chr22-20995995-C-T. GRCh37 (hg19) VCF-style: chr22-21350284-C-T.
Other names: short protein forms P701L.
Identifiers: ClinVar variation 2627669 (VCV002627669.2), dbSNP rs1327579827, ClinGen allele CA410779317.